The following is an entry in ClinVar:

ClinVar aggregate classification (germline): Uncertain significance (1 of 4 stars; one submission).

Conditions:
Familial sleep-related hypermotor epilepsy. Also called: Autosomal Dominant Sleep-Related Hypermotor (Hyperkinetic) Epilepsy. Identifiers: Orphanet 98784, MedGen C3696898, MONDO:0000030.

Submission:

Labcorp Genetics (formerly Invitae), Labcorp
Classification: Uncertain significance. Last evaluated: 2025-11-09. Review status: criteria provided, single submitter. Criteria: Invitae Variant Classification Sherloc (09022015). Collection method: clinical testing. Allele origin: germline.
Comment: This sequence change replaces serine, which is neutral and polar, with threonine, which is neutral and polar, at codon 260 of the CHRNB2 protein (p.Ser260Thr). This variant is not present in population databases (gnomAD no frequency). This variant has not been reported in the literature in individuals affected with CHRNB2-related conditions. Invitae Evidence Modeling of protein sequence and biophysical properties (such as structural, functional, and spatial information, amino acid conservation, physicochemical variation, residue mobility, and thermodynamic stability) indicates that this missense variant is not expected to disrupt CHRNB2 protein function with a negative predictive value of 80%. In summary, the available evidence is currently insufficient to determine the role of this variant in disease. Therefore, it has been classified as a Variant of Uncertain Significance.

NM_000748.3(CHRNB2):c.778T>A (p.Ser260Thr)

Gene: CHRNB2 (cholinergic receptor nicotinic beta 2 subunit; plus strand). Cytogenetic location: 1q21.3.
Variant type: single nucleotide variant.
Coding change: c.778T>A on transcript NM_000748.3 (MANE Select); coding-DNA position 778, T replaced by A.
Protein change: p.Ser260Thr; replaces serine 260 with threonine.
Molecular consequence: missense variant.
Genome position (GRCh38, 1-based): chr1:154,571,601, T>A. VCF-style: chr1-154571601-T-A. GRCh37 (hg19) VCF-style: chr1-154544077-T-A.
Other names: short protein forms S260T.
Identifiers: ClinVar variation 4740539 (VCV004740539.1).
Genomic context (GRCh38, chr1:154,571,601, plus strand): 5'-AACCTCATCATCCCCTGTGTGCTCATCACCTCGCTAGCCATCCTTGTCTTCTACCTGCCA[T>A]CCGACTGTGGCGAGAAGATGACGTTGTGCATCTCAGTGCTGCTGGCGCTCACGGTCTTCC-3'
Protein context (NP_000739.1, residues 250-270): SLAILVFYLP[Ser260Thr]DCGEKMTLCI